The following is an entry in ClinVar:

NM_004646.4(NPHS1):c.887dup (p.Val297fs)

Gene: NPHS1 (NPHS1 adhesion molecule, nephrin; minus strand). Cytogenetic location: 19q13.12.
Variant type: Duplication.
Coding change: c.887dup on transcript NM_004646.4 (MANE Select); coding-DNA position 887, one base duplicated (C; older notation c.887dupC).
Protein change: p.Val297fs; shifts the reading frame from valine 297.
Molecular consequence: frameshift variant.
Genome position (GRCh38, 1-based): chr19:35,849,101, G duplicated on the plus strand (C on the coding strand, the reverse complement: NPHS1 is on the minus strand). VCF-style (leftmost placement, unchanged base first): chr19-35849100-C-CG. GRCh37 (hg19) VCF-style: chr19-36340002-C-CG.
Other names: short protein forms V297fs.
Identifiers: ClinVar variation 5011985 (VCV005011985.1).

ClinVar aggregate classification (germline): Pathogenic (1 of 4 stars; one submission).

Conditions:
Finnish congenital nephrotic syndrome (NPHS1). Also called: NEPHROTIC SYNDROME, TYPE 1. Identifiers: Orphanet 839, MedGen C0403399, MONDO:0009732, OMIM 256300.

Submission:

Myriad Genetics, Inc.
Classification: Pathogenic for Finnish congenital nephrotic syndrome. Last evaluated: 2023-09-27. Review status: criteria provided, single submitter. Criteria: Myriad Autosomal Dominant, Autosomal Recessive and X-Linked Classification Criteria (2023). Collection method: clinical testing. Allele origin: unknown.
Comment: NM_004646.3(NPHS1):c.887dupC(V297Gfs*45) is expected to be pathogenic in the context of nephrotic syndrome, NPHS1-related. This variant is predicted to lead to an abnormal or absent protein product due to the creation of a premature termination codon in NPHS1, a gene where loss-of-function variants are known to be pathogenic. Please note: this variant was assessed in the context of healthy population screening.